The following is an entry in ClinVar:

NM_152703.5(SAMD9L):c.4461T>G (p.Ile1487Met)

Gene: SAMD9L (sterile alpha motif domain containing 9 like; minus strand). Cytogenetic location: 7q21.2.
Variant type: single nucleotide variant.
Coding change: c.4461T>G on transcript NM_152703.5 (MANE Select); coding-DNA position 4461, T replaced by G.
Protein change: p.Ile1487Met; replaces isoleucine 1487 with methionine.
Molecular consequence: missense variant.
Genome position (GRCh38, 1-based): chr7:93,131,511, A>C on the plus strand (T>G on the coding strand, the complement: SAMD9L is on the minus strand). VCF-style: chr7-93131511-A-C. GRCh37 (hg19) VCF-style: chr7-92760824-A-C.
Other names: c.4461T>G, p.Ile1487Met (NM_001303496.3, NM_001303497.3, NM_001303498.3 and 5 more transcripts); c.4461T>G (NM_152703.2); short protein forms I1487M.
Identifiers: ClinVar variation 2753012 (VCV002753012.5), dbSNP rs1792091830, ClinGen allele CA368173331.
Genomic context (GRCh38, chr7:93,131,511, plus strand): 5'-CCAGAGGGAATTTGTATTTTGTGCTTTATCAAAGTACTGCTCTATTTTGGCCTTGTGAAC[A>C]ATACTGTTTAGACCCTTCCTTTTGCCCAGATAGAAAAGTGTGCTTGCCTGCTTGGACCTG-3'
Protein context (NP_689916.2, residues 1477-1497): YLGKRKGLNS[Ile1487Met]VHKAKIEQYF

ClinVar aggregate classification (germline): Uncertain significance. Review status: criteria provided, multiple submitters, no conflicts (2 of 4 stars). 2 submissions from 2 submitters: Uncertain significance (2). Last evaluated 2025-05-04.

Conditions:
Inborn genetic diseases. Identifiers: MedGen C0950123, MeSH D030342.

Submissions (2):

Ambry Genetics
Classification: Uncertain significance for Inborn genetic diseases. Last evaluated: 2025-05-04. Review status: criteria provided, single submitter. Criteria: Ambry Variant Classification Scheme 2023. Collection method: clinical testing. Allele origin: germline.

Labcorp Genetics (formerly Invitae), Labcorp
Classification: Uncertain significance. Last evaluated: 2023-12-15. Review status: criteria provided, single submitter. Criteria: Invitae Variant Classification Sherloc (09022015). Collection method: clinical testing. Allele origin: germline.
Comment: This sequence change replaces isoleucine, which is neutral and non-polar, with methionine, which is neutral and non-polar, at codon 1487 of the SAMD9L protein (p.Ile1487Met). This variant is not present in population databases (gnomAD no frequency). This variant has not been reported in the literature in individuals affected with SAMD9L-related conditions. Advanced modeling of protein sequence and biophysical properties (such as structural, functional, and spatial information, amino acid conservation, physicochemical variation, residue mobility, and thermodynamic stability) performed at Invitae indicates that this missense variant is not expected to disrupt SAMD9L protein function with a negative predictive value of 80%. In summary, the available evidence is currently insufficient to determine the role of this variant in disease. Therefore, it has been classified as a Variant of Uncertain Significance.